The following is an entry in ClinVar:

ClinVar aggregate classification (germline): Uncertain significance (1 of 4 stars; one submission).

Conditions:
Primary ciliary dyskinesia. Also called: Ciliary dyskinesia. Identifiers: Orphanet 244, MedGen C0008780, MONDO:0016575, HP:0012265.

Allele frequency attached by ClinVar (database versions not stated): gnomAD 0.00001; ExAC 0.00002; gnomAD exomes 0.00002; TOPMed below 0.00001.
gnomAD v4.1: 14 of 1,548,358 alleles (0.0009%); highest among the groups gnomAD compares: Non-Finnish European, 0.0012%; no homozygotes.

Submission:

Labcorp Genetics (formerly Invitae), Labcorp
Classification: Uncertain significance for Primary ciliary dyskinesia. Last evaluated: 2021-09-03. Review status: criteria provided, single submitter. Criteria: Invitae Variant Classification Sherloc (09022015). Collection method: clinical testing. Allele origin: germline.
Comment: This sequence change falls in intron 14 of the DNAH8 gene. It does not directly change the encoded amino acid sequence of the DNAH8 protein. It affects a nucleotide within the consensus splice site of the intron. This variant is present in population databases (rs750551337, ExAC 0.003%). This variant has not been reported in the literature in individuals affected with DNAH8-related conditions. Variants that disrupt the consensus splice site are a relatively common cause of aberrant splicing (PMID: 17576681, 9536098). Algorithms developed to predict the effect of sequence changes on RNA splicing suggest that this variant is not likely to affect RNA splicing. In summary, the available evidence is currently insufficient to determine the role of this variant in disease. Therefore, it has been classified as a Variant of Uncertain Significance.

Literature cited by the submitters: PubMed 17576681; PubMed 9536098.

NM_001206927.2(DNAH8):c.2039+6C>T

Gene: DNAH8 (dynein axonemal heavy chain 8; plus strand). Cytogenetic location: 6p21.2.
Variant type: single nucleotide variant.
Coding change: c.2039+6C>T on transcript NM_001206927.2 (MANE Select); 6 bases into the intron after coding-DNA position 2039, C replaced by T.
Molecular consequence: intron variant.
Genome position (GRCh38, 1-based): chr6:38,778,470, C>T. VCF-style: chr6-38778470-C-T. GRCh37 (hg19) VCF-style: chr6-38746246-C-T.
Other names: c.1388+6C>T (NM_001371.4).
Identifiers: ClinVar variation 1475640 (VCV001475640.3), dbSNP rs750551337, ClinGen allele CA3788385.